The following is an entry in ClinVar:

ClinVar aggregate classification (germline): Uncertain significance (1 of 4 stars; one submission).

Submission:

GeneDx
Classification: Uncertain significance. Last evaluated: 2022-04-21. Review status: criteria provided, single submitter. Criteria: GeneDx Variant Classification Process June 2021. Collection method: clinical testing. Allele origin: germline. Affected: yes.
Comment: Not observed at significant frequency in large population cohorts (gnomAD); In silico analysis supports that this missense variant does not alter protein structure/function; Has not been previously published as pathogenic or benign to our knowledge

NM_020297.4(ABCC9):c.1915C>T (p.Pro639Ser)

Gene: ABCC9 (ATP binding cassette subfamily C member 9; minus strand). Cytogenetic location: 12p12.1.
Variant type: single nucleotide variant.
Coding change: c.1915C>T on transcript NM_020297.4 (MANE Select); coding-DNA position 1915, C replaced by T.
Protein change: p.Pro639Ser; replaces proline 639 with serine.
Molecular consequence: missense variant.
Genome position (GRCh38, 1-based): chr12:21,882,870, G>A on the plus strand (C>T on the coding strand, the complement: ABCC9 is on the minus strand). VCF-style: chr12-21882870-G-A. GRCh37 (hg19) VCF-style: chr12-22035804-G-A.
Other names: c.1915C>T, p.Pro639Ser (NM_001377273.1, NM_005691.4); c.1051C>T, p.Pro351Ser (NM_001377274.1); short protein forms P351S, P639S.
Identifiers: ClinVar variation 1712603 (VCV001712603.2), dbSNP rs1311637062, ClinGen allele CA384135253.